The following is an entry in ClinVar:

NM_004928.3(CFAP410):c.643-31G>C

Gene: CFAP410 (cilia and flagella associated protein 410; minus strand). Cytogenetic location: 21q22.3.
Variant type: single nucleotide variant.
Coding change: c.643-31G>C on transcript NM_004928.3 (MANE Select); 31 bases into the intron before coding-DNA position 643, G replaced by C.
Molecular consequence: intron variant.
Genome position (GRCh38, 1-based): chr21:44,330,357, C>G on the plus strand (G>C on the coding strand, the complement: CFAP410 is on the minus strand). VCF-style: chr21-44330357-C-G. GRCh37 (hg19) VCF-style: chr21-45750240-C-G.
Other names: c.640-31G>C (NM_001271440.2); c.1000-31G>C (NM_001271441.2); c.517-31G>C (NM_001271442.1).
Identifiers: ClinVar variation 4986681 (VCV004986681.1).

ClinVar aggregate classification (germline): Likely benign (1 of 4 stars; one submission).

Conditions:
CFAP410-related disorder. Also called: CFAP410-related condition.

gnomAD v4.1: 16 of 1,596,906 alleles (0.001%); highest among the groups gnomAD compares: Non-Finnish European, 0.0013%; no homozygotes.

Submission:

PreventionGenetics, part of Exact Sciences
Classification: Likely benign for CFAP410-related condition. Last evaluated: 2026-02-16. Review status: criteria provided, single submitter. Criteria: ACMG Guidelines, 2015. Collection method: clinical testing. Allele origin: germline.
Comment: This variant is classified as likely benign based on ACMG/AMP sequence variant interpretation guidelines (Richards et al. 2015 PMID: 25741868, with internal and published modifications).